The following is an entry in ClinVar:

NM_145239.3(PRRT2):c.355_356del (p.Thr119fs)

Genes: MVP-DT (MVP divergent transcript; minus strand), PRRT2 (proline rich transmembrane protein 2; plus strand). Cytogenetic location: 16p11.2.
Variant type: Deletion.
Coding change: c.355_356del on transcript NM_145239.3 (MANE Select); coding-DNA positions 355 to 356, 2 bases deleted (AC; older notation c.355_356delAC).
Protein change: p.Thr119fs; shifts the reading frame from threonine 119.
Molecular consequence: frameshift variant.
Genome position (GRCh38, 1-based): chr16:29,813,409-29,813,410, AC deleted; deleting any 2 consecutive bases within chr16:29,813,408-29,813,410 gives the same sequence; the c. name uses the placement nearest the transcript's 3' end. VCF-style (leftmost placement, unchanged base first): chr16-29813407-CCA-C. GRCh37 (hg19) VCF-style: chr16-29824728-CCA-C.
Other names: c.355_356del, p.Thr119fs (NM_001256442.2, NM_001256443.2, NM_001438120.1 and 2 more transcripts); short protein forms T119fs.
Identifiers: ClinVar variation 4716001 (VCV004716001.1).
Genomic context (GRCh38, chr16:29,813,407, plus strand): 5'-ACTGCAGCCCCGAAGACCCATGCCAAGAAACAGTGTCCAAACCAGAAGTGAGCAAAGAGG[CCA>C]CTGCAGACCAGGGGTCCAGGCTGGAGTCTGCAGCCCCACCTGAACCAGCCCCAGAGCCTG-3'

ClinVar aggregate classification (germline): Pathogenic (1 of 4 stars; one submission).

Conditions:
Episodic kinesigenic dyskinesia (EKD). Also called: Paroxysmal kinesigenic dyskinesia. Identifiers: Orphanet 98809, MedGen C1868682, MONDO:0044202.

Submission:

Labcorp Genetics (formerly Invitae), Labcorp
Classification: Pathogenic for Episodic kinesigenic dyskinesia. Last evaluated: 2025-03-26. Review status: criteria provided, single submitter. Criteria: Invitae Variant Classification Sherloc (09022015). Collection method: clinical testing. Allele origin: germline.
Comment: This sequence change creates a premature translational stop signal (p.Thr119Cysfs*14) in the PRRT2 gene. It is expected to result in an absent or disrupted protein product. Loss-of-function variants in PRRT2 are known to be pathogenic (PMID: 22623405, 22744660). This variant is not present in population databases (gnomAD no frequency). This variant has not been reported in the literature in individuals affected with PRRT2-related conditions. For these reasons, this variant has been classified as Pathogenic.

Literature cited by the submitters: PubMed 22623405; PubMed 22744660.